The following is an entry in ClinVar:

NM_004608.4(TBX6):c.1226C>T (p.Pro409Leu)

Gene: TBX6 (T-box transcription factor 6; minus strand). Cytogenetic location: 16p11.2.
Variant type: single nucleotide variant.
Coding change: c.1226C>T on transcript NM_004608.4 (MANE Select); coding-DNA position 1226, C replaced by T.
Protein change: p.Pro409Leu; replaces proline 409 with leucine.
Molecular consequence: missense variant.
Genome position (GRCh38, 1-based): chr16:30,086,310, G>A on the plus strand (C>T on the coding strand, the complement: TBX6 is on the minus strand). VCF-style: chr16-30086310-G-A. GRCh37 (hg19) VCF-style: chr16-30097631-G-A.
Other names: c.1226C>T (NM_004608.3); short protein forms P409L.
Identifiers: ClinVar variation 1025432 (VCV001025432.10), dbSNP rs747410580, ClinGen allele CA8001632.

ClinVar aggregate classification (germline): Uncertain significance. Review status: criteria provided, multiple submitters, no conflicts (2 of 4 stars). 3 submissions from 3 submitters: Uncertain significance (3). Last evaluated 2025-12-15.

Conditions:
Inborn genetic diseases. Identifiers: MedGen C0950123, MeSH D030342.

Allele frequency attached by ClinVar (database versions not stated): TOPMed below 0.00001; gnomAD 0.00001; ExAC 0.00004; gnomAD exomes 0.00006.
gnomAD v4.1: 38 of 1,610,226 alleles (0.0024%); highest among the groups gnomAD compares: African/African-American, 0.0013%; no homozygotes.

Submissions (3):

Labcorp Genetics (formerly Invitae), Labcorp
Classification: Uncertain significance. Last evaluated: 2025-12-15. Review status: criteria provided, single submitter. Criteria: Invitae Variant Classification Sherloc (09022015). Collection method: clinical testing. Allele origin: germline.
Comment: This sequence change replaces proline, which is neutral and non-polar, with leucine, which is neutral and non-polar, at codon 409 of the TBX6 protein (p.Pro409Leu). This variant is present in population databases (rs747410580, gnomAD 0.06%), and has an allele count higher than expected for a pathogenic variant. This variant has not been reported in the literature in individuals affected with TBX6-related conditions. ClinVar contains an entry for this variant (Variation ID: 1025432). An algorithm developed to predict the effect of missense changes on protein structure and function (PolyPhen-2) suggests that this variant is likely to be tolerated. In summary, the available evidence is currently insufficient to determine the role of this variant in disease. Therefore, it has been classified as a Variant of Uncertain Significance.

Ambry Genetics
Classification: Uncertain significance for Inborn genetic diseases. Last evaluated: 2024-12-12. Review status: criteria provided, single submitter. Criteria: Ambry Variant Classification Scheme 2023. Collection method: clinical testing. Allele origin: germline.

Blueprint Genetics
Classification: Uncertain significance. Last evaluated: 2024-04-12. Review status: criteria provided, single submitter. Criteria: ACMG Guidelines, 2015. Collection method: clinical testing. Allele origin: germline.